The following is an entry in ClinVar:

NM_000038.6(APC):c.8248G>A (p.Glu2750Lys)

Gene: APC (APC regulator of Wnt signaling pathway; plus strand). Cytogenetic location: 5q22.2.
Variant type: single nucleotide variant.
Coding change: c.8248G>A on transcript NM_000038.6 (MANE Select); coding-DNA position 8248, G replaced by A.
Protein change: p.Glu2750Lys; replaces glutamic acid 2750 with lysine.
Molecular consequence: missense variant.
Genome position (GRCh38, 1-based): chr5:112,843,842, G>A. VCF-style: chr5-112843842-G-A. GRCh37 (hg19) VCF-style: chr5-112179539-G-A.
Other names: c.8248G>A, p.Glu2750Lys (NM_001127510.3, NM_001354895.2); c.8194G>A, p.Glu2732Lys (NM_001127511.3); c.8302G>A, p.Glu2768Lys (NM_001354896.2); c.8278G>A, p.Glu2760Lys (NM_001354897.2); c.8173G>A, p.Glu2725Lys (NM_001354898.2); c.8164G>A, p.Glu2722Lys (NM_001354899.2); c.8125G>A, p.Glu2709Lys (NM_001354900.2); c.8071G>A, p.Glu2691Lys (NM_001354901.2); and 5 more; short protein forms E2732K, E2750K, E2659K, E2691K, E2725K, E2760K, E2590K, E2467K.
Identifiers: ClinVar variation 428124 (VCV000428124.7), dbSNP rs986364513, ClinGen allele CA16039228.

ClinVar aggregate classification (germline): Uncertain significance. Review status: criteria provided, multiple submitters, no conflicts (2 of 4 stars). 2 submissions from 2 submitters: Uncertain significance (2). Last evaluated 2024-08-12.

Conditions:
Hereditary cancer-predisposing syndrome. Also called: Hereditary Cancer Syndrome; Neoplastic Syndromes, Hereditary; Hereditary neoplastic syndrome; Tumor predisposition. Identifiers: Orphanet 140162, MedGen C0027672, MeSH D009386, MONDO:0015356.

Allele frequency attached by ClinVar (database versions not stated): gnomAD exomes below 0.00001; TOPMed below 0.00001.
gnomAD v4.1: 1 of 1,614,052 alleles (0.000062%); highest among the groups gnomAD compares: Non-Finnish European, 0.000085%; no homozygotes.

Submissions (2):

Ambry Genetics
Classification: Uncertain significance for Hereditary cancer-predisposing syndrome. Last evaluated: 2024-08-12. Review status: criteria provided, single submitter. Criteria: Ambry Variant Classification Scheme 2023. Collection method: clinical testing. Allele origin: germline.
Comment: The p.E2750K variant (also known as c.8248G>A), located in coding exon 15 of the APC gene, results from a G to A substitution at nucleotide position 8248. The glutamic acid at codon 2750 is replaced by lysine, an amino acid with similar properties. This amino acid position is highly conserved in available vertebrate species. In addition, in silico predictors for this gene do not accurately predict pathogenicity. Since supporting evidence is limited at this time, the clinical significance of this alteration remains unclear.

GeneDx
Classification: Uncertain significance. Last evaluated: 2023-01-25. Review status: criteria provided, single submitter. Criteria: GeneDx Variant Classification Process June 2021. Collection method: clinical testing. Allele origin: germline. Affected: yes.
Comment: Not observed at significant frequency in large population cohorts (gnomAD); In silico analysis supports that this missense variant does not alter protein structure/function; Has not been previously published as pathogenic or benign to our knowledge; This variant is associated with the following publications: (PMID: 18199528)